The following is an entry in ClinVar:

NM_015028.4(TNIK):c.153A>G (p.Ala51=)

Gene: TNIK (TRAF2 and NCK interacting kinase; minus strand). Cytogenetic location: 3q26.31.
Variant type: single nucleotide variant.
Coding change: c.153A>G on transcript NM_015028.4 (MANE Select); coding-DNA position 153, A replaced by G.
Protein change: p.Ala51=; no amino-acid change (alanine 51 retained).
Molecular consequence: synonymous variant.
Genome position (GRCh38, 1-based): chr3:171,228,192, T>C on the plus strand (A>G on the coding strand, the complement: TNIK is on the minus strand). VCF-style: chr3-171228192-T-C. GRCh37 (hg19) VCF-style: chr3-170945981-T-C.
Other names: c.153A>G, p.Ala51= (NM_001161560.3, NM_001161561.3, NM_001161562.3 and 4 more transcripts).
Identifiers: ClinVar variation 792822 (VCV000792822.5), dbSNP rs142911215, ClinGen allele CA2703910.

ClinVar aggregate classification (germline): Benign. Review status: criteria provided, single submitter (1 of 4 stars). 2 submissions from 2 submitters: Benign (1). 1 of the submissions does not count toward it. Last evaluated 2018-10-23.

Conditions:
TNIK-related disorder. Also called: TNIK-related condition.

Allele frequency attached by ClinVar (database versions not stated): gnomAD 0.00016 and 0.00027; gnomAD exomes 0.00025 and 0.00071; TOPMed 0.00033; ExAC 0.00083; 1000 Genomes Project 0.00160; 1000 Genomes Project 30x 0.00172.
gnomAD v4.1: 408 of 1,613,644 alleles (0.025%); highest among the groups gnomAD compares: East Asian, 0.79%; 5 homozygotes.

Submissions (2):

Labcorp Genetics (formerly Invitae), Labcorp
Classification: Benign. Last evaluated: 2018-10-23. Review status: criteria provided, single submitter. Criteria: Invitae Variant Classification Sherloc (09022015). Collection method: clinical testing. Allele origin: germline.

PreventionGenetics, part of Exact Sciences
Classification: Benign for TNIK-related condition. Last evaluated: 2019-06-17. Review status: no assertion criteria provided. Collection method: clinical testing. Allele origin: germline. Not counted in ClinVar's aggregate classification.
Comment: This variant is classified as benign based on ACMG/AMP sequence variant interpretation guidelines (Richards et al. 2015 PMID: 25741868, with internal and published modifications).